The following is an entry in ClinVar:

ClinVar aggregate classification (germline): Uncertain significance (1 of 4 stars; one submission).

Allele frequency attached by ClinVar (database versions not stated): 1000 Genomes Project 30x 0.00016.
gnomAD v4.1: 20 of 1,613,286 alleles (0.0012%); highest among the groups gnomAD compares: East Asian, 0.018%; no homozygotes.

Submission:

Ambry Genetics
Classification: Uncertain significance. Last evaluated: 2026-05-19. Review status: criteria provided, single submitter. Criteria: Ambry Variant Classification Scheme 2023. Collection method: clinical testing. Allele origin: germline.
Comment: The c.1079C>T (p.S360L) alteration is located in exon 11 (coding exon 11) of the GLB1L3 gene. This alteration results from a C to T substitution at nucleotide position 1079, causing the serine (S) at amino acid position 360 to be replaced by a leucine (L). Based on data from gnomAD, the T allele has an overall frequency of 0.003% (8/279194) total alleles studied. The highest observed frequency was 0.031% (6/19500) of East Asian alleles. Based on insufficient or conflicting evidence, the clinical significance of this alteration remains unclear.

NM_001080407.3(GLB1L3):c.1079C>T (p.Ser360Leu)

Gene: GLB1L3 (galactosidase beta 1 like 3; plus strand). Cytogenetic location: 11q25.
Variant type: single nucleotide variant.
Coding change: c.1079C>T on transcript NM_001080407.3 (MANE Select); coding-DNA position 1079, C replaced by T.
Protein change: p.Ser360Leu; replaces serine 360 with leucine.
Molecular consequence: missense variant.
Genome position (GRCh38, 1-based): chr11:134,309,743, C>T. VCF-style: chr11-134309743-C-T. GRCh37 (hg19) VCF-style: chr11-134179637-C-T.
Other names: short protein forms S360L.
Identifiers: ClinVar variation 2601805 (VCV002601805.3), dbSNP rs369128716, ClinGen allele CA6373790.
Genomic context (GRCh38, chr11:134,309,743, plus strand): 5'-TGTTCCATGGTGGAACCAACTTTGGTTTCATGAACGGGGCCACATATTTCGGGAAGCACT[C>T]GGGCATTGTCACCAGCTATGGCAAGTGTCGCTGGTGTAGTAGCCTCTCCAGCATGGGCGG-3'
Protein context (NP_001073876.2, residues 350-370): MNGATYFGKH[Ser360Leu]GIVTSYDYDA